The following is an entry in ClinVar:

NM_004329.3(BMPR1A):c.157G>A (p.Glu53Lys)

Gene: BMPR1A (bone morphogenetic protein receptor type 1A; plus strand). Cytogenetic location: 10q23.2.
Variant type: single nucleotide variant.
Coding change: c.157G>A on transcript NM_004329.3 (MANE Select); coding-DNA position 157, G replaced by A.
Protein change: p.Glu53Lys; replaces glutamic acid 53 with lysine.
Molecular consequence: missense variant.
Genome position (GRCh38, 1-based): chr10:86,890,151, G>A. VCF-style: chr10-86890151-G-A. GRCh37 (hg19) VCF-style: chr10-88649908-G-A.
Other names: short protein forms E53K.
Identifiers: ClinVar variation 489691 (VCV000489691.16), dbSNP rs1554888119, ClinGen allele CA377446740.

ClinVar aggregate classification (germline): Uncertain significance. Review status: criteria provided, multiple submitters, no conflicts (2 of 4 stars). 3 submissions from 3 submitters: Uncertain significance (3). Last evaluated 2024-03-19.

Conditions:
Juvenile polyposis syndrome (JPS). Identifiers: Orphanet 2929, MedGen C0345893, MONDO:0017380, OMIM 174900.
Hereditary cancer-predisposing syndrome. Also called: Tumor predisposition; Neoplastic Syndromes, Hereditary; Hereditary Cancer Syndrome; Hereditary neoplastic syndrome. Identifiers: Orphanet 140162, MedGen C0027672, MeSH D009386, MONDO:0015356.

Allele frequency attached by ClinVar (database versions not stated): gnomAD 0.00001.
gnomAD v4.1: 1 of 1,614,022 alleles (0.000062%); highest among the groups gnomAD compares: African/African-American, 0.0013%; no homozygotes.

Submissions (3):

Labcorp Genetics (formerly Invitae), Labcorp
Classification: Uncertain significance for Juvenile polyposis syndrome. Last evaluated: 2024-03-19. Review status: criteria provided, single submitter. Criteria: Invitae Variant Classification Sherloc (09022015). Collection method: clinical testing. Allele origin: germline.
Comment: This sequence change replaces glutamic acid, which is acidic and polar, with lysine, which is basic and polar, at codon 53 of the BMPR1A protein (p.Glu53Lys). This variant is not present in population databases (gnomAD no frequency). This variant has not been reported in the literature in individuals affected with BMPR1A-related conditions. ClinVar contains an entry for this variant (Variation ID: 489691). Advanced modeling of protein sequence and biophysical properties (such as structural, functional, and spatial information, amino acid conservation, physicochemical variation, residue mobility, and thermodynamic stability) performed at Invitae indicates that this missense variant is not expected to disrupt BMPR1A protein function with a negative predictive value of 95%. In summary, the available evidence is currently insufficient to determine the role of this variant in disease. Therefore, it has been classified as a Variant of Uncertain Significance.

Color Diagnostics, LLC DBA Color Health
Classification: Uncertain significance for Hereditary cancer-predisposing syndrome. Last evaluated: 2023-12-05. Review status: criteria provided, single submitter. Criteria: ACMG Guidelines, 2015. Collection method: clinical testing. Allele origin: germline.
Comment: This missense variant replaces glutamic acid with lysine at codon 53 of the BMPR1A protein. Computational prediction suggests that this variant may not impact protein structure and function (internally defined REVEL score threshold <= 0.5, PMID: 27666373). To our knowledge, functional studies have not been reported for this variant. This variant has not been reported in individuals affected with BMPR1A-related disorders in the literature. This variant has not been identified in the general population by the Genome Aggregation Database (gnomAD). The available evidence is insufficient to determine the role of this variant in disease conclusively. Therefore, this variant is classified as a Variant of Uncertain Significance.

Ambry Genetics
Classification: Uncertain significance for Hereditary cancer-predisposing syndrome. Last evaluated: 2022-02-04. Review status: criteria provided, single submitter. Criteria: Ambry Variant Classification Scheme 2023. Collection method: clinical testing. Allele origin: germline.
Comment: The p.E53K variant (also known as c.157G>A), located in coding exon 2 of the BMPR1A gene, results from a G to A substitution at nucleotide position 157. The glutamic acid at codon 53 is replaced by lysine, an amino acid with similar properties. This amino acid position is conserved. In addition, this alteration is predicted to be deleterious by in silico analysis. Since supporting evidence is limited at this time, the clinical significance of this alteration remains unclear.